The following is an entry in ClinVar:

NM_000384.3(APOB):c.354C>A (p.Asn118Lys)

Gene: APOB (apolipoprotein B; minus strand). Cytogenetic location: 2p24.1.
Variant type: single nucleotide variant.
Coding change: c.354C>A on transcript NM_000384.3 (MANE Select); coding-DNA position 354, C replaced by A.
Protein change: p.Asn118Lys; replaces asparagine 118 with lysine.
Molecular consequence: missense variant.
Genome position (GRCh38, 1-based): chr2:21,040,967, G>T on the plus strand (C>A on the coding strand, the complement: APOB is on the minus strand). VCF-style: chr2-21040967-G-T. GRCh37 (hg19) VCF-style: chr2-21263839-G-T.
Other names: short protein forms N118K.
Identifiers: ClinVar variation 334186 (VCV000334186.9), dbSNP rs781633079, ClinGen allele CA059135.

ClinVar aggregate classification (germline): Conflicting classifications of pathogenicity. Review status: criteria provided, conflicting classifications (1 of 4 stars). 4 submissions from 3 submitters: Uncertain significance (3); Likely benign (1). Last evaluated 2026-02-24.

Conditions:
Hypercholesterolemia, autosomal dominant, type B (FHCL2). Also called: Familial hypercholesterolemia 2; Familial Hypercholesterolemia Type B; APOLIPOPROTEIN B-100, FAMILIAL DEFECTIVE; APOLIPOPROTEIN B-100, FAMILIAL LIGAND-DEFECTIVE; HYPERCHOLESTEROLEMIA, FAMILIAL, DUE TO LIGAND-DEFECTIVE APOLIPOPROTEIN B; APOB-Related Familial Hypercholesterolemia, Autosomal Dominant. Identifiers: MedGen C1704417, MONDO:0007751, OMIM 144010.
Familial hypobetalipoproteinemia 1. Also called: Hypobetalipoproteinemia, normotriglyceridemic; Acanthocytosis with hypobetalipoproteinemia; APOB-Related Familial Hypobetalipoproteinemia. Identifiers: MedGen C4551990, MONDO:0014252, OMIM 615558.
Cardiovascular phenotype. Identifiers: MedGen CN230736.

Allele frequency attached by ClinVar (database versions not stated): gnomAD 0.00001; TOPMed 0.00001; ExAC 0.00002; gnomAD exomes 0.00002.
gnomAD v4.1: 13 of 1,613,986 alleles (0.00081%); highest among the groups gnomAD compares: Non-Finnish European, 0.0011%; no homozygotes.

Submissions (4):

Ambry Genetics
Classification: Uncertain significance for Cardiovascular phenotype. Last evaluated: 2026-02-24. Review status: criteria provided, single submitter. Criteria: Ambry Variant Classification Scheme 2023. Collection method: clinical testing. Allele origin: germline.
Comment: The p.N118K variant (also known as c.354C>A), located in coding exon 4 of the APOB gene, results from a C to A substitution at nucleotide position 354. The asparagine at codon 118 is replaced by lysine, an amino acid with similar properties. This amino acid position is conserved. In addition, this alteration is predicted to be tolerated by in silico analysis. Based on the available evidence, the clinical significance of this variant remains unclear.

Labcorp Genetics (formerly Invitae), Labcorp
Classification: Likely benign for Familial hypobetalipoproteinemia 1; Hypercholesterolemia, autosomal dominant, type B. Last evaluated: 2024-06-13. Review status: criteria provided, single submitter. Criteria: Invitae Variant Classification Sherloc (09022015). Collection method: clinical testing. Allele origin: germline.

Illumina Laboratory Services, Illumina
Classification: Uncertain significance for Hypercholesterolemia, autosomal dominant, type B. Last evaluated: 2018-01-12. Review status: criteria provided, single submitter. Criteria: ICSL Variant Classification Criteria 13 December 2019. Collection method: clinical testing. Allele origin: germline.

Illumina Laboratory Services, Illumina
Classification: Uncertain significance for Familial hypobetalipoproteinemia 1. Last evaluated: 2018-01-12. Review status: criteria provided, single submitter. Criteria: ICSL Variant Classification Criteria 13 December 2019. Collection method: clinical testing. Allele origin: germline.